The following is an entry in ClinVar:

ClinVar aggregate classification (germline): Uncertain significance (1 of 4 stars; one submission).

Conditions:
Familial cold autoinflammatory syndrome 3 (FCAS3). Also called: FAMILIAL ATYPICAL COLD URTICARIA; ANTIBODY DEFICIENCY AND IMMUNE DYSREGULATION, PLCG2-ASSOCIATED. Identifiers: Orphanet 300359, MedGen C3280914, MONDO:0013766, OMIM 614468.

Submission:

Labcorp Genetics (formerly Invitae), Labcorp
Classification: Uncertain significance for Familial cold autoinflammatory syndrome 3. Last evaluated: 2025-01-20. Review status: criteria provided, single submitter. Criteria: Invitae Variant Classification Sherloc (09022015). Collection method: clinical testing. Allele origin: germline.
Comment: This sequence change replaces aspartic acid, which is acidic and polar, with asparagine, which is neutral and polar, at codon 59 of the PLCG2 protein (p.Asp59Asn). Information on the frequency of this variant in the gnomAD database is not available, as this variant may be reported differently in the database. This variant has not been reported in the literature in individuals affected with PLCG2-related conditions. ClinVar contains an entry for this variant (Variation ID: 2788392). Experimental studies and prediction algorithms are not available or were not evaluated, and the functional significance of this variant is currently unknown. In summary, the available evidence is currently insufficient to determine the role of this variant in disease. Therefore, it has been classified as a Variant of Uncertain Significance.

NM_002661.5(PLCG2):c.174_175inv (p.Asp59Asn)

Gene: PLCG2 (phospholipase C gamma 2; plus strand). Cytogenetic location: 16q23.3.
Variant type: Inversion.
Coding change: c.174_175inv on transcript NM_002661.5 (MANE Select).
Protein change: p.Asp59Asn; replaces aspartic acid 59 with asparagine.
Molecular consequence: missense variant.
Genome position: GRCh38 VCF-style: chr16-81786163-TG-CA. GRCh37 (hg19) VCF-style: chr16-81819768-TG-CA.
Other names: c.174_175invTG, p.Asp59Asn (NM_001425749.1, NM_001425750.1, NM_001425751.1); short protein forms D59N.
Identifiers: ClinVar variation 2788392 (VCV002788392.3), ClinGen allele CA2739266909.